The following is an entry in ClinVar:

NM_016204.4(GDF2):c.1275G>A (p.Glu425=)

Gene: GDF2 (growth differentiation factor 2; plus strand). Cytogenetic location: 10q11.22.
Variant type: single nucleotide variant.
Coding change: c.1275G>A on transcript NM_016204.4 (MANE Select); coding-DNA position 1275, G replaced by A.
Protein change: p.Glu425=; no amino-acid change (glutamic acid 425 retained).
Molecular consequence: synonymous variant.
Genome position (GRCh38, 1-based): chr10:47,325,769, G>A. VCF-style: chr10-47325769-G-A. GRCh37 (hg19) VCF-style: chr10-48413593-C-T.
Identifiers: ClinVar variation 4986708 (VCV004986708.1).

ClinVar aggregate classification (germline): Likely benign (1 of 4 stars; one submission).

Conditions:
GDF2-related disorder. Also called: GDF2-related condition.

Submission:

PreventionGenetics, part of Exact Sciences
Classification: Likely benign for GDF2-related condition. Last evaluated: 2025-05-20. Review status: criteria provided, single submitter. Criteria: ACMG Guidelines, 2015. Collection method: clinical testing. Allele origin: germline.
Comment: This variant is classified as likely benign based on ACMG/AMP sequence variant interpretation guidelines (Richards et al. 2015 PMID: 25741868, with internal and published modifications).